The following is an entry in ClinVar:

ClinVar aggregate classification (germline): Likely benign (0 of 4 stars; one submission).

Conditions:
KLF11-related disorder. Also called: KLF11-related condition.

Allele frequency attached by ClinVar (database versions not stated): TOPMed below 0.00001.
gnomAD v4.1: 2 of 1,613,400 alleles (0.00012%); highest among the groups gnomAD compares: South Asian, 0.0022%; no homozygotes.

Submission:

PreventionGenetics, part of Exact Sciences
Classification: Likely benign for KLF11-related condition. Last evaluated: 2020-09-14. Review status: no assertion criteria provided. Collection method: clinical testing. Allele origin: germline.
Comment: This variant is classified as likely benign based on ACMG/AMP sequence variant interpretation guidelines (Richards et al. 2015 PMID: 25741868, with internal and published modifications).

NM_003597.5(KLF11):c.312+10G>T

Gene: KLF11 (KLF transcription factor 11; plus strand). Cytogenetic location: 2p25.1.
Variant type: single nucleotide variant.
Coding change: c.312+10G>T on transcript NM_003597.5 (MANE Select); 10 bases into the intron after coding-DNA position 312, G replaced by T.
Molecular consequence: intron variant.
Genome position (GRCh38, 1-based): chr2:10,046,429, G>T. VCF-style: chr2-10046429-G-T. GRCh37 (hg19) VCF-style: chr2-10186556-G-T.
Other names: c.261+10G>T (NM_001177716.2, NM_001177718.2).
Identifiers: ClinVar variation 3032003 (VCV003032003.2), dbSNP rs760407198, ClinGen allele CA530516536.
Genomic context (GRCh38, chr2:10,046,429, plus strand): 5'-GATGCAGCCACACCTGAACTACCAAAAGACTTCCATTCTTTATCGACTCTGGTAAGAGGA[G>T]GTGGGAGGGAGGAGCGTTTTTGTGAAATGACTAGAGTAGCTGAACTCAGTGTGTTGAAGA-3'